The following is an entry in ClinVar:

ClinVar aggregate classification (germline): Uncertain significance (1 of 4 stars; one submission).

Submission:

Labcorp Genetics (formerly Invitae), Labcorp
Classification: Uncertain significance. Last evaluated: 2025-01-12. Review status: criteria provided, single submitter. Criteria: Invitae Variant Classification Sherloc (09022015). Collection method: clinical testing. Allele origin: germline.
Comment: This sequence change replaces glutamic acid, which is acidic and polar, with aspartic acid, which is acidic and polar, at codon 1406 of the MYH3 protein (p.Glu1406Asp). This variant is not present in population databases (gnomAD no frequency). This variant has not been reported in the literature in individuals affected with MYH3-related conditions. Invitae Evidence Modeling of protein sequence and biophysical properties (such as structural, functional, and spatial information, amino acid conservation, physicochemical variation, residue mobility, and thermodynamic stability) indicates that this missense variant is not expected to disrupt MYH3 protein function with a negative predictive value of 95%. In summary, the available evidence is currently insufficient to determine the role of this variant in disease. Therefore, it has been classified as a Variant of Uncertain Significance.

NM_002470.4(MYH3):c.4218G>C (p.Glu1406Asp)

Gene: MYH3 (myosin heavy chain 3; minus strand). Cytogenetic location: 17p13.1.
Variant type: single nucleotide variant.
Coding change: c.4218G>C on transcript NM_002470.4 (MANE Select); coding-DNA position 4218, G replaced by C.
Protein change: p.Glu1406Asp; replaces glutamic acid 1406 with aspartic acid.
Molecular consequence: missense variant.
Genome position (GRCh38, 1-based): chr17:10,634,978, C>G on the plus strand (G>C on the coding strand, the complement: MYH3 is on the minus strand). VCF-style: chr17-10634978-C-G. GRCh37 (hg19) VCF-style: chr17-10538295-C-G.
Other names: short protein forms E1406D.
Identifiers: ClinVar variation 3634445 (VCV003634445.2).
Genomic context (GRCh38, chr17:10,634,978, plus strand): 5'-CACCTCTCCTTGCAGCCTCTGCTTGGTCTTCTCCAGTGAAGCACATTTAGCATTCACTGC[C>G]TCAACCTGTTCCTCGGAATCTTGAAGGCGCTGAGCAAGTTTTTTCCTTAAAGAATATGAA-3'
Protein context (NP_002461.2, residues 1396-1416): QRLQDSEEQV[Glu1406Asp]AVNAKCASLE